The following is an entry in ClinVar:

NM_001372.4(DNAH9):c.7970C>T (p.Ala2657Val)

Gene: DNAH9 (dynein axonemal heavy chain 9; plus strand). Cytogenetic location: 17p12.
Variant type: single nucleotide variant.
Coding change: c.7970C>T on transcript NM_001372.4 (MANE Select); coding-DNA position 7970, C replaced by T.
Protein change: p.Ala2657Val; replaces alanine 2657 with valine.
Molecular consequence: missense variant.
Genome position (GRCh38, 1-based): chr17:11,784,448, C>T. VCF-style: chr17-11784448-C-T. GRCh37 (hg19) VCF-style: chr17-11687765-C-T.
Other names: short protein forms A2657V.
Identifiers: ClinVar variation 3841347 (VCV003841347.2).

ClinVar aggregate classification (germline): Uncertain significance. Review status: criteria provided, multiple submitters, no conflicts (2 of 4 stars). 2 submissions from 2 submitters: Uncertain significance (2). Last evaluated 2025-06-25.

Conditions:
Inborn genetic diseases. Identifiers: MedGen C0950123, MeSH D030342.

gnomAD v4.1: 16 of 1,614,224 alleles (0.00099%); highest among the groups gnomAD compares: South Asian, 0.012%; no homozygotes.

Submissions (2):

Labcorp Genetics (formerly Invitae), Labcorp
Classification: Uncertain significance. Last evaluated: 2025-06-25. Review status: criteria provided, single submitter. Criteria: Invitae Variant Classification Sherloc (09022015). Collection method: clinical testing. Allele origin: germline.
Comment: This sequence change replaces alanine, which is neutral and non-polar, with valine, which is neutral and non-polar, at codon 2657 of the DNAH9 protein (p.Ala2657Val). This variant is present in population databases (rs750713145, gnomAD 0.03%). This variant has not been reported in the literature in individuals affected with DNAH9-related conditions. ClinVar contains an entry for this variant (Variation ID: 3841347). Invitae Evidence Modeling of protein sequence and biophysical properties (such as structural, functional, and spatial information, amino acid conservation, physicochemical variation, residue mobility, and thermodynamic stability) indicates that this missense variant is not expected to disrupt DNAH9 protein function with a negative predictive value of 80%. In summary, the available evidence is currently insufficient to determine the role of this variant in disease. Therefore, it has been classified as a Variant of Uncertain Significance.

Ambry Genetics
Classification: Uncertain significance for Inborn genetic diseases. Last evaluated: 2025-01-01. Review status: criteria provided, single submitter. Criteria: Ambry Variant Classification Scheme 2023. Collection method: clinical testing. Allele origin: germline.